The following is an entry in ClinVar:

ClinVar aggregate classification (germline): Pathogenic/Likely pathogenic. Review status: criteria provided, multiple submitters, no conflicts (2 of 4 stars). 2 submissions from 2 submitters: Pathogenic (1); Likely pathogenic (1). Last evaluated 2025-03-05.

Conditions:
ADGRV1-related disorder. Also called: ADGRV1-related condition; ADGRV1-related disorders.

Allele frequency attached by ClinVar (database versions not stated): ExAC 0.00001.

Submissions (2):

Labcorp Genetics (formerly Invitae), Labcorp
Classification: Pathogenic. Last evaluated: 2025-03-05. Review status: criteria provided, single submitter. Criteria: Invitae Variant Classification Sherloc (09022015). Collection method: clinical testing. Allele origin: germline.
Comment: This sequence change creates a premature translational stop signal (p.Gln1771*) in the ADGRV1 gene. It is expected to result in an absent or disrupted protein product. Loss-of-function variants in ADGRV1 are known to be pathogenic (PMID: 19357117, 22135276, 22147658, 26226137, 30718709, 31047384, 32467589). The frequency data for this variant in the population databases is considered unreliable, as metrics indicate poor data quality at this position in the gnomAD database. This premature translational stop signal has been observed in individual(s) with ADGRV1-related conditions (PMID: 37734845). ClinVar contains an entry for this variant (Variation ID: 2630325). Algorithms developed to predict the effect of sequence changes on RNA splicing suggest that this variant may disrupt the consensus splice site. For these reasons, this variant has been classified as Pathogenic.

PreventionGenetics, part of Exact Sciences
Classification: Likely pathogenic for ADGRV1-related condition. Last evaluated: 2023-02-09. Review status: criteria provided, single submitter. Criteria: ACMG Guidelines, 2015. Collection method: clinical testing. Allele origin: germline.
Comment: The ADGRV1 c.5311C>T variant is predicted to result in premature protein termination (p.Gln1771*). To our knowledge, this variant has not been reported in the literature. This variant is reported in 0.00090% of alleles in individuals of European (Non-Finnish) descent in gnomAD. Nonsense variants in ADGRV1 are expected to be pathogenic. This variant is interpreted as likely pathogenic.

Literature cited by the submitters: PubMed 19357117 (cited by Labcorp Genetics (formerly Invitae), Labcorp); PubMed 22135276 (cited by Labcorp Genetics (formerly Invitae), Labcorp); PubMed 22147658 (cited by Labcorp Genetics (formerly Invitae), Labcorp); PubMed 26226137 (cited by Labcorp Genetics (formerly Invitae), Labcorp); PubMed 30718709 (cited by Labcorp Genetics (formerly Invitae), Labcorp); PubMed 31047384 (cited by Labcorp Genetics (formerly Invitae), Labcorp); PubMed 32467589 (cited by Labcorp Genetics (formerly Invitae), Labcorp); PubMed 37734845 (cited by Labcorp Genetics (formerly Invitae), Labcorp).

NM_032119.4(ADGRV1):c.5311C>T (p.Gln1771Ter)

Gene: ADGRV1 (adhesion G protein-coupled receptor V1; plus strand). Cytogenetic location: 5q14.3.
Variant type: single nucleotide variant.
Coding change: c.5311C>T on transcript NM_032119.4 (MANE Select); coding-DNA position 5311, C replaced by T.
Protein change: p.Gln1771Ter; replaces glutamine 1771 with a stop codon.
Molecular consequence: nonsense. On other transcripts: non-coding transcript variant (1).
Genome position (GRCh38, 1-based): chr5:90,675,443, C>T. VCF-style: chr5-90675443-C-T. GRCh37 (hg19) VCF-style: chr5-89971260-C-T.
Other names: short protein forms Q1771*.
Identifiers: ClinVar variation 2630325 (VCV002630325.2), dbSNP rs727503074, ClinGen allele CA3339531.